The following is an entry in ClinVar:

NM_006904.7(PRKDC):c.9529A>G (p.Asn3177Asp)

Gene: PRKDC (protein kinase, DNA-activated, catalytic subunit; minus strand). Cytogenetic location: 8q11.21.
Variant type: single nucleotide variant.
Coding change: c.9529A>G on transcript NM_006904.7 (MANE Select); coding-DNA position 9529, A replaced by G.
Protein change: p.Asn3177Asp; replaces asparagine 3177 with aspartic acid.
Molecular consequence: missense variant.
Genome position (GRCh38, 1-based): chr8:47,817,478, T>C on the plus strand (A>G on the coding strand, the complement: PRKDC is on the minus strand). VCF-style: chr8-47817478-T-C. GRCh37 (hg19) VCF-style: chr8-48730039-T-C.
Other names: c.9529A>G, p.Asn3177Asp (NM_001081640.2); short protein forms N3177D.
Identifiers: ClinVar variation 1767267 (VCV001767267.2), dbSNP rs1267694981, ClinGen allele CA371137017.

ClinVar aggregate classification (germline): Uncertain significance (1 of 4 stars; one submission).

Allele frequency attached by ClinVar (database versions not stated): TOPMed 0.00001.

Submission:

Ambry Genetics
Classification: Uncertain significance. Last evaluated: 2021-06-13. Review status: criteria provided, single submitter. Criteria: Ambry Variant Classification Scheme 2023. Collection method: clinical testing. Allele origin: germline.
Comment: The p.N3177D variant (also known as c.9529A>G), located in coding exon 68 of the PRKDC gene, results from an A to G substitution at nucleotide position 9529. The asparagine at codon 3177 is replaced by aspartic acid, an amino acid with highly similar properties. This amino acid position is conserved. In addition, this alteration is predicted to be tolerated by in silico analysis. Since supporting evidence is limited at this time, the clinical significance of this alteration remains unclear.